The following is an entry in ClinVar:

ClinVar aggregate classification (germline): Conflicting classifications of pathogenicity. Review status: criteria provided, conflicting classifications (1 of 4 stars). 9 submissions from 9 submitters: Uncertain significance (8); Likely benign (1). Last evaluated 2025-11-09.

Conditions:
Hereditary cancer-predisposing syndrome. Also called: Neoplastic Syndromes, Hereditary; Hereditary Cancer Syndrome; Hereditary neoplastic syndrome; Tumor predisposition. Identifiers: Orphanet 140162, MedGen C0027672, MeSH D009386, MONDO:0015356.
Melanoma, cutaneous malignant, susceptibility to, 1 (CMM1). Also called: MELANOMA, MALIGNANT; DYSPLASTIC NEVUS SYNDROME, HEREDITARY; FAMILIAL ATYPICAL MOLE-MALIGNANT MELANOMA SYNDROME; B-K MOLE SYNDROME. Identifiers: Orphanet 618, MedGen C1835047, MONDO:0007963, OMIM 155600.
Peutz-Jeghers syndrome (PJS). Also called: Peutz-Jeghers polyposis; Periorificial lentiginosis syndrome; POLYPOSIS, HAMARTOMATOUS INTESTINAL; POLYPS-AND-SPOTS SYNDROME. Identifiers: Orphanet 2869, MedGen C0031269, MeSH D010580, MONDO:0008280, OMIM 175200.

Allele frequency attached by ClinVar (database versions not stated): gnomAD exomes below 0.00001; gnomAD 0.00001; TOPMed 0.00001.

Submissions (9):

Labcorp Genetics (formerly Invitae), Labcorp
Classification: Likely benign for Peutz-Jeghers syndrome. Last evaluated: 2025-11-09. Review status: criteria provided, single submitter. Criteria: Invitae Variant Classification Sherloc (09022015). Collection method: clinical testing. Allele origin: germline.

Ambry Genetics
Classification: Uncertain significance for Hereditary cancer-predisposing syndrome. Last evaluated: 2024-12-05. Review status: criteria provided, single submitter. Criteria: Ambry Variant Classification Scheme 2023. Collection method: clinical testing. Allele origin: germline.
Comment: The p.P339L variant (also known as c.1016C>T), located in coding exon 8 of the STK11 gene, results from a C to T substitution at nucleotide position 1016. The proline at codon 339 is replaced by leucine, an amino acid with similar properties. This amino acid position is highly conserved in available vertebrate species. In addition, the in silico prediction for this alteration is inconclusive. Since supporting evidence is limited at this time, the clinical significance of this alteration remains unclear.

Color Diagnostics, LLC DBA Color Health
Classification: Uncertain significance for Hereditary cancer-predisposing syndrome. Last evaluated: 2024-06-14. Review status: criteria provided, single submitter. Criteria: ACMG Guidelines, 2015. Collection method: clinical testing. Allele origin: germline.
Comment: This missense variant replaces proline with leucine at codon 339 of the STK11 protein. Computational prediction is inconclusive regarding the impact of this variant on protein structure and function. To our knowledge, functional studies have not been reported for this variant. This variant has not been reported in individuals affected with STK11-related disorders in the literature. This variant has been identified in 1/239814 chromosomes in the general population by the Genome Aggregation Database (gnomAD). The available evidence is insufficient to determine the role of this variant in disease conclusively. Therefore, this variant is classified as a Variant of Uncertain Significance.

Women's Health and Genetics/Laboratory Corporation of America, LabCorp
Classification: Uncertain significance. Last evaluated: 2024-03-06. Review status: criteria provided, single submitter. Criteria: LabCorp Variant Classification Summary - May 2015. Collection method: clinical testing. Allele origin: germline.
Comment: Variant summary: STK11 c.1016C>T (p.Pro339Leu) results in a non-conservative amino acid change in the encoded protein sequence. Four of five in-silico tools predict a damaging effect of the variant on protein function. The variant allele was found at a frequency of 4.2e-06 in 239814 control chromosomes. The available data on variant occurrences in the general population are insufficient to allow any conclusion about variant significance. c.1016C>T has been reported in the literature in a large study evaluating breast cancer cases and controls in the Breast Cancer Association Consortium (BCAC), and the variant was reported in 3/60466 cases, but was also found in 1/53461 controls (Dorling_2021, reported through LOVD). In addition, the variant was also reported in gastric and colorectal cancer samples, however it was unclear if it was of somatic-, or germline origin (Miura_2015, Cremolini_2017). To our knowledge, no experimental evidence demonstrating an impact on protein function has been reported. The following publications have been ascertained in the context of this evaluation (PMID: 25778705, 33471991, 29045518). ClinVar contains an entry for this variant (Variation ID: 142696). Based on the evidence outlined above, the variant was classified as uncertain significance.

Baylor Genetics
Classification: Uncertain significance for Melanoma, cutaneous malignant, susceptibility to, 1. Last evaluated: 2023-07-23. Review status: criteria provided, single submitter. Criteria: ACMG Guidelines, 2015. Collection method: clinical testing. Allele origin: unknown.

All of Us Research Program, National Institutes of Health
Classification: Uncertain significance for Peutz-Jeghers syndrome. Last evaluated: 2023-06-28. Review status: criteria provided, single submitter. Criteria: ACMG Guidelines, 2015. Collection method: clinical testing. Allele origin: germline. Inheritance: Autosomal dominant inheritance. Observed: 4 variant alleles, 4 heterozygotes.
Comment: This study involves interpretation of variants in research participants for the purpose of population health screening. Participant phenotype was not available at the time of variant classification. Additional details can be found in publication PMID: 35346344, PMCID: PMC8962531

GeneDx
Classification: Uncertain significance. Last evaluated: 2023-03-06. Review status: criteria provided, single submitter. Criteria: GeneDx Variant Classification Process June 2021. Collection method: clinical testing. Allele origin: germline. Affected: yes.
Comment: Not observed at significant frequency in large population cohorts (gnomAD); In silico analysis supports that this missense variant has a deleterious effect on protein structure/function; Has not been previously published as pathogenic or benign to our knowledge; This variant is associated with the following publications: (PMID: 25695693, 28900777)

Sema4
Classification: Uncertain significance for Hereditary cancer-predisposing syndrome. Last evaluated: 2021-08-27. Review status: criteria provided, single submitter. Criteria: Sema4 Curation Guidelines. Collection method: curation. Allele origin: germline.
Comment: The STK11 c.1016C>T (p.P339L) variant has been reported in at least three individuals with breast cancer, but was also identified in a healthy control (PMID: 33471991). It was observed in 1/108536 chromosomes of the Non-Finnish European subpopulation in the large and broad cohorts of the Genome Aggregation Database (PMID: 32461654). The variant has been reported in ClinVar (Variation ID 142696). Functional studies have not been performed, and in silico predictions of the variant's effect on protein function are inconclusive. The evidence is insufficient to meet ACMG/AMP criteria for classifying the variant as benign or pathogenic. Thus, the clinical significance of this variant is currently uncertain.

Genome-Nilou Lab
Classification: Uncertain significance for Peutz-Jeghers syndrome. Last evaluated: 2021-07-15. Review status: criteria provided, single submitter. Criteria: ACMG Guidelines, 2015. Collection method: clinical testing. Allele origin: germline. Affected: no.

Literature cited by the submitters: PubMed 25778705 (cited by Women's Health and Genetics/Laboratory Corporation of America, LabCorp); PubMed 33471991 (cited by Women's Health and Genetics/Laboratory Corporation of America, LabCorp and Sema4); PubMed 29045518 (cited by Women's Health and Genetics/Laboratory Corporation of America, LabCorp).

NM_000455.5(STK11):c.1016C>T (p.Pro339Leu)

Genes: STK11 (serine/threonine kinase 11; plus strand), LOC130062899 (ATAC-STARR-seq lymphoblastoid active region 13597; plus strand). Cytogenetic location: 19p13.3.
Variant type: single nucleotide variant.
Coding change: c.1016C>T on transcript NM_000455.5 (MANE Select); coding-DNA position 1016, C replaced by T.
Protein change: p.Pro339Leu; replaces proline 339 with leucine.
Molecular consequence: missense variant.
Genome position (GRCh38, 1-based): chr19:1,223,080, C>T. VCF-style: chr19-1223080-C-T. GRCh37 (hg19) VCF-style: chr19-1223079-C-T.
Other names: short protein forms P339L.
Identifiers: ClinVar variation 142696 (VCV000142696.27), dbSNP rs567896256, ClinGen allele CA022164.
Genomic context (GRCh38, chr19:1,223,080, plus strand): 5'-CAGTGCCCATCCCACCGAGCCCAGACACCAAGGACCGGTGGCGCAGCATGACTGTGGTGC[C>T]GTACTTGGAGGACCTGCACGGCGCGGACGAGGACGAGGACCTCTTCGACATCGAGGATGA-3'
Protein context (NP_000446.1, residues 329-349): KDRWRSMTVV[Pro339Leu]YLEDLHGADE